The following is an entry in ClinVar:

NM_018206.6(VPS35):c.-34G>A

Gene: VPS35 (VPS35 retromer complex component; minus strand). Cytogenetic location: 16q11.2.
Variant type: single nucleotide variant.
Coding change: c.-34G>A on transcript NM_018206.6 (MANE Select); 34 bases upstream of the start codon, G replaced by A.
Molecular consequence: 5 prime UTR variant.
Genome position (GRCh38, 1-based): chr16:46,689,167, C>T on the plus strand (G>A on the coding strand, the complement: VPS35 is on the minus strand). VCF-style: chr16-46689167-C-T. GRCh37 (hg19) VCF-style: chr16-46723079-C-T.
Other names: NC_000016.9:g.46723079C>T.
Identifiers: ClinVar variation 319298 (VCV000319298.8), dbSNP rs3743928, ClinGen allele CA8037188.

ClinVar aggregate classification (germline): Benign/Likely benign. Review status: criteria provided, multiple submitters, no conflicts (2 of 4 stars). 2 submissions from 2 submitters: Benign (1); Likely benign (1). Last evaluated 2018-01-13.

Conditions:
Parkinson disease 17 (PARK17). Also called: VPS35-Related Parkinson Disease. Identifiers: Orphanet 411602, MedGen C3280133, MONDO:0013625, OMIM 614203.

Allele frequency attached by ClinVar (database versions not stated): ESP Exome Variant Server 0.00008; TOPMed 0.00301; 1000 Genomes Project 30x 0.00375; 1000 Genomes Project 0.00439.
gnomAD v4.1: 2,006 of 1,603,544 alleles (0.13%); highest among the groups gnomAD compares: East Asian, 2.4%; 19 homozygotes.

Submissions (3):

Illumina Laboratory Services, Illumina
Classification: Benign for Parkinson disease 17. Last evaluated: 2018-01-13. Review status: criteria provided, single submitter. Criteria: ICSL Variant Classification Criteria 13 December 2019. Collection method: clinical testing. Allele origin: germline.
Comment: This variant was observed in the ICSL laboratory as part of a predisposition screen in an ostensibly healthy population. It had not been previously curated by ICSL or reported in the Human Gene Mutation Database (HGMD: prior to June 1st, 2018), and was therefore a candidate for classification through an automated scoring system. Utilizing variant allele frequency, disease prevalence and penetrance estimates, and inheritance mode, an automated score was calculated to assess if this variant is too frequent to cause the disease. Based on the score and internal cut-off values, a variant classified as benign is not then subjected to further curation. The score for this variant resulted in a classification of benign for this disease.

Breakthrough Genomics
Classification: Likely benign. Review status: criteria provided, single submitter. Criteria: ACMG Guidelines, 2015. Collection method: not provided. Allele origin: germline. Inheritance: Autosomal dominant inheritance. Affected: yes.

Dr. Peter K. Rogan Lab, Western University
No classification provided (evidence only). Condition: Cervical cancer. Review status: no classification provided. Collection method: in vitro. Allele origin: not applicable. Functional consequence: retained intron. Not counted in ClinVar's aggregate classification.